The following is an entry in ClinVar:

NM_004525.3(LRP2):c.1354G>A (p.Asp452Asn)

Gene: LRP2 (LDL receptor related protein 2; minus strand). Cytogenetic location: 2q31.1.
Variant type: single nucleotide variant.
Coding change: c.1354G>A on transcript NM_004525.3 (MANE Select); coding-DNA position 1354, G replaced by A.
Protein change: p.Asp452Asn; replaces aspartic acid 452 with asparagine.
Molecular consequence: missense variant.
Genome position (GRCh38, 1-based): chr2:169,279,583, C>T on the plus strand (G>A on the coding strand, the complement: LRP2 is on the minus strand). VCF-style: chr2-169279583-C-T. GRCh37 (hg19) VCF-style: chr2-170136093-C-T.
Other names: short protein forms D452N.
Identifiers: ClinVar variation 2096883 (VCV002096883.4), dbSNP rs2528515077, ClinGen allele CA349149452.

ClinVar aggregate classification (germline): Uncertain significance (1 of 4 stars; one submission).

Allele frequency attached by ClinVar (database versions not stated): gnomAD exomes below 0.00001.
gnomAD v4.1: 1 of 1,611,242 alleles (0.000062%); highest among the groups gnomAD compares: Non-Finnish European, 0.000085%; no homozygotes.

Submission:

Labcorp Genetics (formerly Invitae), Labcorp
Classification: Uncertain significance. Last evaluated: 2025-07-07. Review status: criteria provided, single submitter. Criteria: Invitae Variant Classification Sherloc (09022015). Collection method: clinical testing. Allele origin: germline.
Comment: This sequence change replaces aspartic acid, which is acidic and polar, with asparagine, which is neutral and polar, at codon 452 of the LRP2 protein (p.Asp452Asn). This variant is not present in population databases (gnomAD no frequency). This variant has not been reported in the literature in individuals affected with LRP2-related conditions. ClinVar contains an entry for this variant (Variation ID: 2096883). Invitae Evidence Modeling of protein sequence and biophysical properties (such as structural, functional, and spatial information, amino acid conservation, physicochemical variation, residue mobility, and thermodynamic stability) indicates that this missense variant is not expected to disrupt LRP2 protein function with a negative predictive value of 80%. In summary, the available evidence is currently insufficient to determine the role of this variant in disease. Therefore, it has been classified as a Variant of Uncertain Significance.